The following is an entry in ClinVar:

ClinVar aggregate classification (germline): Uncertain significance (1 of 4 stars; one submission).

Allele frequency attached by ClinVar (database versions not stated): gnomAD exomes below 0.00001; TOPMed below 0.00001.
gnomAD v4.1: 4 of 1,614,162 alleles (0.00025%); highest among the groups gnomAD compares: Non-Finnish European, 0.00017%; no homozygotes.

Submission:

GeneDx
Classification: Uncertain significance. Last evaluated: 2020-06-04. Review status: criteria provided, single submitter. Criteria: GeneDx Variant Classification Process June 2021. Collection method: clinical testing. Allele origin: germline. Affected: yes.
Comment: Not observed at a significant frequency in large population cohorts (Lek et al., 2016); In silico analysis supports that this missense variant has a deleterious effect on protein structure/function; Has not been previously published as pathogenic or benign to our knowledge

NM_002473.6(MYH9):c.3151C>T (p.Arg1051Trp)

Gene: MYH9 (myosin heavy chain 9; minus strand). Cytogenetic location: 22q12.3.
Variant type: single nucleotide variant.
Coding change: c.3151C>T on transcript NM_002473.6 (MANE Select); coding-DNA position 3151, C replaced by T.
Protein change: p.Arg1051Trp; replaces arginine 1051 with tryptophan.
Molecular consequence: missense variant.
Genome position (GRCh38, 1-based): chr22:36,296,964, G>A on the plus strand (C>T on the coding strand, the complement: MYH9 is on the minus strand). VCF-style: chr22-36296964-G-A. GRCh37 (hg19) VCF-style: chr22-36693010-G-A.
Other names: short protein forms R1051W.
Identifiers: ClinVar variation 1303939 (VCV001303939.2), dbSNP rs1319309604, ClinGen allele CA411389642.